The following is an entry in ClinVar:

ClinVar aggregate classification (germline): Conflicting classifications of pathogenicity. Review status: criteria provided, conflicting classifications (1 of 4 stars). 6 submissions from 6 submitters: Uncertain significance (4); Benign (1). 1 of the submissions does not count toward it. Last evaluated 2026-03-17.

Conditions:
Melnick-Needles syndrome (MNS). Also called: MELNICK-NEEDLES OSTEODYSPLASTY; OSTEODYSPLASTY OF MELNICK AND NEEDLES; Melnick-Needles Syndrome (FLNA-MNS). Identifiers: Orphanet 2484, MedGen C0025237, MONDO:0010650, OMIM 309350.
Frontometaphyseal dysplasia (FMD1). Identifiers: Orphanet 1826, MedGen C0265293, MONDO:0015942.
Oto-palato-digital syndrome, type II (OPD2). Also called: FACIOPALATOOSSEOUS SYNDROME; OPD II SYNDROME; Otopalatodigital Syndrome, Type II; Otopalatodigital Syndrome Type 2 (FLNA-OPD2). Identifiers: Orphanet 669, Orphanet 90652, MedGen C1844696, MONDO:0010571, OMIM 304120.
Heterotopia, periventricular, X-linked dominant (PVNH1). Also called: PERIVENTRICULAR NODULAR HETEROTOPIA 1; X-linked periventricular heterotopia; PERIVENTRICULAR NODULAR HETEROTOPIA 4; HETEROTOPIA, PERIVENTRICULAR, 1. Identifiers: Orphanet 2149, Orphanet 82004, MedGen C1848213, MONDO:0010233, OMIM 300049.
Familial thoracic aortic aneurysm and aortic dissection (TAAD). Also called: Thoracic aortic aneurysms and dissections. Identifiers: Orphanet 91387, MedGen C4707243, MONDO:0019625.
Intellectual disability. Also called: Intellectual functioning disability; intellectual disabilities; Intellectual developmental disorder. Identifiers: MedGen C3714756, MeSH D008607, MONDO:0001071, HP:0001249.

Allele frequency attached by ClinVar (database versions not stated): gnomAD 0.00003; TOPMed 0.00003; gnomAD exomes 0.00002 and 0.00006.
gnomAD v4.1: 64 of 1,210,310 alleles (0.0053%); highest among the groups gnomAD compares: Non-Finnish European, 0.0068%; no homozygotes.

Submissions (6):

GeneDx
Classification: Uncertain significance. Last evaluated: 2026-03-17. Review status: criteria provided, single submitter. Criteria: GeneDx Variant Classification Process June 2021. Collection method: clinical testing. Allele origin: germline.
Comment: Has not been previously published as pathogenic or benign to our knowledge; In silico analysis supports that this missense variant has a deleterious effect on protein structure/function

Labcorp Genetics (formerly Invitae), Labcorp
Classification: Benign for Oto-palato-digital syndrome, type II; Heterotopia, periventricular, X-linked dominant; Frontometaphyseal dysplasia; Melnick-Needles syndrome. Last evaluated: 2025-12-29. Review status: criteria provided, single submitter. Criteria: Invitae Variant Classification Sherloc (09022015). Collection method: clinical testing. Allele origin: germline.

Ambry Genetics
Classification: Uncertain significance for Familial thoracic aortic aneurysm and aortic dissection. Last evaluated: 2024-01-29. Review status: criteria provided, single submitter. Criteria: Ambry Variant Classification Scheme 2023. Collection method: clinical testing. Allele origin: germline.
Comment: The p.G2283S variant (also known as c.6847G>A), located in coding exon 40 of the FLNA gene, results from a G to A substitution at nucleotide position 6847. The glycine at codon 2283 is replaced by serine, an amino acid with similar properties. Based on data from gnomAD, the A allele has an overall frequency of 0.0025% (5/202974) total alleles studied, with 1 hemizygote(s) observed. The highest observed frequency was 0.0055% (1/18251) of African alleles. This amino acid position is highly conserved in available vertebrate species. In addition, this alteration is predicted to be deleterious by in silico analysis. Since supporting evidence is limited at this time, the clinical significance of this alteration remains unclear.

Mayo Clinic Laboratories, Mayo Clinic
Classification: Uncertain significance. Last evaluated: 2022-10-12. Review status: criteria provided, single submitter. Criteria: ACMG Guidelines, 2015. Collection method: clinical testing. Allele origin: germline. Observed: 1 variant allele.
Comment: PP2, PP3

Eurofins Ntd Llc (ga)
Classification: Uncertain significance. Last evaluated: 2014-12-09. Review status: criteria provided, single submitter. Criteria: EGL Classification Definitions 2015. Collection method: clinical testing. Allele origin: germline. Observed: 1 variant allele, 1 hemizygote.

Centre de Biologie Pathologie Génétique, Centre Hospitalier Universitaire de Lille
Classification: Uncertain significance for Intellectual disability. Last evaluated: 2019-01-01. Review status: no assertion criteria provided. Collection method: clinical testing. Allele origin: unknown. Affected: yes. Not counted in ClinVar's aggregate classification.

NM_001110556.2(FLNA):c.6871G>A (p.Gly2291Ser)

Gene: FLNA (filamin A; minus strand). Cytogenetic location: Xq28.
Variant type: single nucleotide variant.
Coding change: c.6871G>A on transcript NM_001110556.2 (MANE Select); coding-DNA position 6871, G replaced by A.
Protein change: p.Gly2291Ser; replaces glycine 2291 with serine.
Molecular consequence: missense variant.
Genome position (GRCh38, 1-based): chrX:154,351,920, C>T on the plus strand (G>A on the coding strand, the complement: FLNA is on the minus strand). VCF-style: chrX-154351920-C-T. GRCh37 (hg19) VCF-style: chrX-153580288-C-T.
Other names: p.Gly2283Ser; c.6847G>A, p.Gly2283Ser (NM_001456.4); short protein forms G2291S, G2283S.
Identifiers: ClinVar variation 197428 (VCV000197428.21), dbSNP rs797044739, ClinGen allele CA245558.